The following is an entry in ClinVar:

ClinVar aggregate classification (germline): Uncertain significance (1 of 4 stars; one submission).

Submission:

GeneDx
Classification: Uncertain significance. Last evaluated: 2024-03-15. Review status: criteria provided, single submitter. Criteria: GeneDx Variant Classification Process June 2021. Collection method: clinical testing. Allele origin: germline. Affected: yes.
Comment: Not observed at significant frequency in large population cohorts (gnomAD); In silico analysis supports a deleterious effect on splicing; Has not been previously published as pathogenic or benign to our knowledge

NM_002076.4(GNS):c.639G>A (p.Leu213=)

Gene: GNS (glucosamine (N-acetyl)-6-sulfatase; minus strand). Cytogenetic location: 12q14.3.
Variant type: single nucleotide variant.
Coding change: c.639G>A on transcript NM_002076.4 (MANE Select); coding-DNA position 639, G replaced by A.
Protein change: p.Leu213=; no amino-acid change (leucine 213 retained).
Molecular consequence: synonymous variant.
Genome position (GRCh38, 1-based): chr12:64,743,294, C>T on the plus strand (G>A on the coding strand, the complement: GNS is on the minus strand). VCF-style: chr12-64743294-C-T. GRCh37 (hg19) VCF-style: chr12-65137074-C-T.
Identifiers: ClinVar variation 3370808 (VCV003370808.1).